The following is an entry in ClinVar:

NM_206933.4(USH2A):c.1579T>C (p.Cys527Arg)

Gene: USH2A (usherin; minus strand). Cytogenetic location: 1q41.
Variant type: single nucleotide variant.
Coding change: c.1579T>C on transcript NM_206933.4 (MANE Select); coding-DNA position 1579, T replaced by C.
Protein change: p.Cys527Arg; replaces cysteine 527 with arginine.
Molecular consequence: missense variant.
Genome position (GRCh38, 1-based): chr1:216,321,948, A>G on the plus strand (T>C on the coding strand, the complement: USH2A is on the minus strand). VCF-style: chr1-216321948-A-G. GRCh37 (hg19) VCF-style: chr1-216495290-A-G.
Other names: c.1579T>C, p.Cys527Arg (NM_007123.6); short protein forms C527R.
Identifiers: ClinVar variation 1035495 (VCV001035495.8), dbSNP rs1207157360, ClinGen allele CA344907976.

ClinVar aggregate classification (germline): Uncertain significance (1 of 4 stars; one submission).

Allele frequency attached by ClinVar (database versions not stated): gnomAD exomes below 0.00001.

Submission:

Labcorp Genetics (formerly Invitae), Labcorp
Classification: Uncertain significance. Last evaluated: 2023-11-28. Review status: criteria provided, single submitter. Criteria: Invitae Variant Classification Sherloc (09022015). Collection method: clinical testing. Allele origin: germline.
Comment: This sequence change replaces cysteine, which is neutral and slightly polar, with arginine, which is basic and polar, at codon 527 of the USH2A protein (p.Cys527Arg). This variant is present in population databases (no rsID available, gnomAD 0.0009%). This variant has not been reported in the literature in individuals affected with USH2A-related conditions. ClinVar contains an entry for this variant (Variation ID: 1035495). Advanced modeling of protein sequence and biophysical properties (such as structural, functional, and spatial information, amino acid conservation, physicochemical variation, residue mobility, and thermodynamic stability) performed at Invitae indicates that this missense variant is expected to disrupt USH2A protein function with a positive predictive value of 95%. In summary, the available evidence is currently insufficient to determine the role of this variant in disease. Therefore, it has been classified as a Variant of Uncertain Significance.